The following is an entry in ClinVar:

ClinVar aggregate classification (germline): Uncertain significance (1 of 4 stars; one submission).

Conditions:
Duchenne muscular dystrophy (DMD). Also called: MUSCULAR DYSTROPHY, PSEUDOHYPERTROPHIC PROGRESSIVE, DUCHENNE TYPE; Duchenne Muscular Dystrophy (DMD). Identifiers: Orphanet 98896, MedGen C0013264, MONDO:0010679, OMIM 310200.

Allele frequency attached by ClinVar (database versions not stated): TOPMed 0.00001.
gnomAD v4.1: 1 of 1,209,018 alleles (0.000083%); highest among the groups gnomAD compares: Admixed American, 0.0022%; no homozygotes.

Submission:

Labcorp Genetics (formerly Invitae), Labcorp
Classification: Uncertain significance for Duchenne muscular dystrophy. Last evaluated: 2021-04-16. Review status: criteria provided, single submitter. Criteria: Invitae Variant Classification Sherloc (09022015). Collection method: clinical testing. Allele origin: germline.
Comment: In summary, the available evidence is currently insufficient to determine the role of this variant in disease. Therefore, it has been classified as a Variant of Uncertain Significance. This sequence change replaces aspartic acid with glutamic acid at codon 3644 of the DMD protein (p.Asp3644Glu). The aspartic acid residue is highly conserved and there is a small physicochemical difference between aspartic acid and glutamic acid. This variant is not present in population databases (ExAC no frequency). This variant has not been reported in the literature in individuals with DMD-related conditions. Algorithms developed to predict the effect of missense changes on protein structure and function (SIFT, PolyPhen-2, Align-GVGD) all suggest that this variant is likely to be tolerated, but these predictions have not been confirmed by published functional studies and their clinical significance is uncertain.

NM_004006.3(DMD):c.10932T>G (p.Asp3644Glu)

Gene: DMD (dystrophin; minus strand). Cytogenetic location: Xp21.2.
Variant type: single nucleotide variant.
Coding change: c.10932T>G on transcript NM_004006.3 (MANE Select); coding-DNA position 10932, T replaced by G.
Protein change: p.Asp3644Glu; replaces aspartic acid 3644 with glutamic acid.
Molecular consequence: missense variant.
Genome position (GRCh38, 1-based): chrX:31,134,184, A>C on the plus strand (T>G on the coding strand, the complement: DMD is on the minus strand). VCF-style: chrX-31134184-A-C. GRCh37 (hg19) VCF-style: chrX-31152301-A-C.
Other names: c.10908T>G, p.Asp3636Glu (NM_000109.4); c.10920T>G, p.Asp3640Glu (NM_004009.3); c.10563T>G, p.Asp3521Glu (NM_004010.3); c.6909T>G, p.Asp2303Glu (NM_004011.4); c.6900T>G, p.Asp2300Glu (NM_004012.4); c.3552T>G, p.Asp1184Glu (NM_004013.3, NM_004021.3); c.2745T>G, p.Asp915Glu (NM_004014.3); c.1728T>G, p.Asp576Glu (NM_004015.3, NM_004016.3); and 3 more; short protein forms D1171E, D3640E, D563E, D3636E, D1184E, D2300E, D2303E, D3521E.
Identifiers: ClinVar variation 1345760 (VCV001345760.7), dbSNP rs2034882802, ClinGen allele CA412648240.